The following is an entry in ClinVar:

ClinVar aggregate classification (germline): Pathogenic/Likely pathogenic. Review status: criteria provided, multiple submitters, no conflicts (2 of 4 stars). 4 submissions from 4 submitters: Pathogenic (3); Likely pathogenic (1). Last evaluated 2026-02-24.

Conditions:
DICER1-related tumor predisposition. Also called: DICER1-related pleuropulmonary blastoma cancer predisposition syndrome; DICER1 syndrome. Identifiers: Orphanet 284343, MedGen C3839822, MONDO:0100216.

Submissions (4):

Myriad Genetics, Inc.
Classification: Pathogenic for DICER1-related tumor predisposition. Last evaluated: 2026-02-24. Review status: criteria provided, single submitter. Criteria: Myriad Autosomal Dominant, Autosomal Recessive and X-Linked Classification Criteria (2023). Collection method: clinical testing. Allele origin: unknown.
Comment: This variant is considered pathogenic. This variant creates a termination codon and is predicted to result in premature protein truncation.

Labcorp Genetics (formerly Invitae), Labcorp
Classification: Pathogenic for DICER1-related tumor predisposition. Last evaluated: 2025-11-24. Review status: criteria provided, single submitter. Criteria: Invitae Variant Classification Sherloc (09022015). Collection method: clinical testing. Allele origin: germline.
Comment: This sequence change creates a premature translational stop signal (p.Tyr1335*) in the DICER1 gene. It is expected to result in an absent or disrupted protein product. Loss-of-function variants in DICER1 are known to be pathogenic (PMID: 19556464, 21266384). This variant is not present in population databases (gnomAD no frequency). This variant has not been reported in the literature in individuals affected with DICER1-related conditions. ClinVar contains an entry for this variant (Variation ID: 690449). For these reasons, this variant has been classified as Pathogenic.

Baylor Genetics
Classification: Pathogenic for Pleuropulmonary blastoma. Last evaluated: 2020-06-30. Review status: criteria provided, single submitter. Criteria: ACMG Guidelines, 2015. Collection method: clinical testing. Allele origin: paternal. Affected: yes. Study: CSER-TexasKidsCanSeq.
Comment: This variant was determined to be pathogenic according to ACMG Guidelines, 2015 [PMID:25741868].

PreventionGenetics, part of Exact Sciences
Classification: Likely pathogenic. Last evaluated: 2016-06-15. Review status: criteria provided, single submitter. Criteria: ACMG Guidelines, 2015. Collection method: clinical testing. Allele origin: germline.

Literature cited by the submitters: PubMed 19556464 (cited by Labcorp Genetics (formerly Invitae), Labcorp); PubMed 21266384 (cited by Labcorp Genetics (formerly Invitae), Labcorp).

NM_177438.3(DICER1):c.4005C>A (p.Tyr1335Ter)

Gene: DICER1 (dicer 1, ribonuclease III; minus strand). Cytogenetic location: 14q32.13.
Variant type: single nucleotide variant.
Coding change: c.4005C>A on transcript NM_177438.3 (MANE Select); coding-DNA position 4005, C replaced by A.
Protein change: p.Tyr1335Ter; replaces tyrosine 1335 with a stop codon.
Molecular consequence: nonsense.
Genome position (GRCh38, 1-based): chr14:95,103,391, G>T on the plus strand (C>A on the coding strand, the complement: DICER1 is on the minus strand). VCF-style: chr14-95103391-G-T. GRCh37 (hg19) VCF-style: chr14-95569728-G-T.
Other names: c.4005C>A, p.Tyr1335Ter (NM_001195573.1, NM_001271282.3, NM_001291628.2 and 1 more transcripts); short protein forms Y1335*.
Identifiers: ClinVar variation 690449 (VCV000690449.10), dbSNP rs755357184, ClinGen allele CA390872974.